The following is an entry in ClinVar:

NM_000435.3(NOTCH3):c.5366G>A (p.Gly1789Asp)

Gene: NOTCH3 (notch receptor 3; minus strand). Cytogenetic location: 19p13.12.
Variant type: single nucleotide variant.
Coding change: c.5366G>A on transcript NM_000435.3 (MANE Select); coding-DNA position 5366, G replaced by A.
Protein change: p.Gly1789Asp; replaces glycine 1789 with aspartic acid.
Molecular consequence: missense variant.
Genome position (GRCh38, 1-based): chr19:15,166,088, C>T on the plus strand (G>A on the coding strand, the complement: NOTCH3 is on the minus strand). VCF-style: chr19-15166088-C-T. GRCh37 (hg19) VCF-style: chr19-15276899-C-T.
Other names: short protein forms G1789D.
Identifiers: ClinVar variation 426222 (VCV000426222.3), dbSNP rs1085307509, ClinGen allele CA404495168.

ClinVar aggregate classification (germline): Uncertain significance (1 of 4 stars; one submission).

Submission:

GeneDx
Classification: Uncertain significance. Last evaluated: 2023-12-06. Review status: criteria provided, single submitter. Criteria: GeneDx Variant Classification Process June 2021. Collection method: clinical testing. Allele origin: germline. Affected: yes.
Comment: Not observed at significant frequency in large population cohorts (gnomAD); In silico analysis supports that this missense variant has a deleterious effect on protein structure/function; Has not been previously published as pathogenic or benign to our knowledge